The following is an entry in ClinVar:

NM_017534.6(MYH2):c.805+4A>T

Genes: MYHAS (myosin heavy chain gene cluster antisense RNA; plus strand), MYH2 (myosin heavy chain 2; minus strand), LOC126862501 (CDK7 strongly-dependent group 2 enhancer GRCh37_chr17:10446256-10447455; plus strand). Cytogenetic location: 17p13.1.
Variant type: single nucleotide variant.
Coding change: c.805+4A>T on transcript NM_017534.6 (MANE Select); 4 bases into the intron after coding-DNA position 805, A replaced by T.
Molecular consequence: intron variant.
Genome position (GRCh38, 1-based): chr17:10,543,094, T>A on the plus strand (A>T on the coding strand, the complement: MYH2 is on the minus strand). VCF-style: chr17-10543094-T-A. GRCh37 (hg19) VCF-style: chr17-10446411-T-A.
Other names: c.805+4A>T (NM_001100112.2).
Identifiers: ClinVar variation 4797247 (VCV004797247.1).
Genomic context (GRCh38, chr17:10,543,094, plus strand): 5'-ATTTTTGGTCAGTTTTTTAGGTCATATGAATCAGAAATGATTTTAAAGATATCTGAACAC[T>A]TACATGTTTCAATATCAGCAGATGCCAGTTTTCCAGTAGTGCCAAAGTGGATTCTGATGA-3'

ClinVar aggregate classification (germline): Uncertain significance (1 of 4 stars; one submission).

Conditions:
Myopathy, proximal, and ophthalmoplegia (CMYO6). Also called: CONGENITAL MYOPATHY 6 WITH OPHTHALMOPLEGIA; MYOPATHY WITH CONGENITAL JOINT CONTRACTURES, OPHTHALMOPLEGIA, AND RIMMED VACUOLES; INCLUSION BODY MYOPATHY 3, AUTOSOMAL DOMINANT. Identifiers: Orphanet 363677, Orphanet 79091, MedGen C1854106, MONDO:0011577, OMIM 605637.

gnomAD v4.1: 21 of 1,610,356 alleles (0.0013%); highest among the groups gnomAD compares: Non-Finnish European, 0.0018%; no homozygotes.

Submission:

Labcorp Genetics (formerly Invitae), Labcorp
Classification: Uncertain significance for Myopathy, proximal, and ophthalmoplegia. Last evaluated: 2025-08-06. Review status: criteria provided, single submitter. Criteria: Invitae Variant Classification Sherloc (09022015). Collection method: clinical testing. Allele origin: germline.
Comment: This sequence change falls in intron 9 of the MYH2 gene. It does not directly change the encoded amino acid sequence of the MYH2 protein. It affects a nucleotide within the consensus splice site. This variant is present in population databases (rs747226428, gnomAD 0.004%). This variant has not been reported in the literature in individuals affected with MYH2-related conditions. Variants that disrupt the consensus splice site are a relatively common cause of aberrant splicing (PMID: 17576681, 9536098). Algorithms developed to predict the effect of sequence changes on RNA splicing suggest that this variant may disrupt the consensus splice site. In summary, the available evidence is currently insufficient to determine the role of this variant in disease. Therefore, it has been classified as a Variant of Uncertain Significance.

Literature cited by the submitters: PubMed 17576681; PubMed 9536098.